The following is an entry in ClinVar:

NM_015046.7(SETX):c.5332C>T (p.Arg1778Ter)

Gene: SETX (senataxin; minus strand). Cytogenetic location: 9q34.13.
Variant type: single nucleotide variant.
Coding change: c.5332C>T on transcript NM_015046.7 (MANE Select); coding-DNA position 5332, C replaced by T.
Protein change: p.Arg1778Ter; replaces arginine 1778 with a stop codon.
Molecular consequence: nonsense.
Genome position (GRCh38, 1-based): chr9:132,311,799, G>A on the plus strand (C>T on the coding strand, the complement: SETX is on the minus strand). VCF-style: chr9-132311799-G-A. GRCh37 (hg19) VCF-style: chr9-135187186-G-A.
Other names: c.5332C>T, p.Arg1778Ter (NM_001351527.2, NM_001351528.2); short protein forms R1778*.
Identifiers: ClinVar variation 1328975 (VCV001328975.6), dbSNP rs1169623576, ClinGen allele CA375320125.

ClinVar aggregate classification (germline): Pathogenic/Likely pathogenic. Review status: criteria provided, multiple submitters, no conflicts (2 of 4 stars). 4 submissions from 4 submitters: Pathogenic (2); Likely pathogenic (2). Last evaluated 2024-09-28.

Conditions:
Spinocerebellar ataxia, autosomal recessive, with axonal neuropathy 2 (SCAN2). Also called: ATAXIA-OCULOMOTOR APRAXIA 2; Ataxia-ocular apraxia-2; Ataxia with Oculomotor Apraxia Type 2; Ataxia with Oculomotor Apraxia. Identifiers: Orphanet 64753, MedGen C1853761, MONDO:0018996, OMIM 606002.

Allele frequency attached by ClinVar (database versions not stated): gnomAD exomes below 0.00001 and 0.00001.
gnomAD v4.1: 2 of 1,613,618 alleles (0.00012%); highest among the groups gnomAD compares: South Asian, 0.0011%; no homozygotes.

Submissions (4):

3billion
Classification: Pathogenic for Spinocerebellar ataxia, autosomal recessive, with axonal neuropathy 2. Last evaluated: 2024-09-28. Review status: criteria provided, single submitter. Criteria: ACMG Guidelines, 2015. Collection method: clinical testing. Allele origin: germline. Affected: yes.
Comment: The variant is observed at an extremely low frequency in the gnomAD v4.1.0 dataset (total allele frequency: <0.001%). Predicted Consequence/Location: Stop-gained (nonsense): predicted to result in a loss or disruption of normal protein function through nonsense-mediated decay (NMD) or protein truncation. Multiple pathogenic variants are reported downstream of the variant. The variant has been reported at least twice as pathogenic with clinical assertions and evidence for the classification (ClinVar ID: VCV001328975 /PMID: 19377860). Therefore, this variant is classified as Pathogenic according to the recommendation of ACMG/AMP guideline.

Women's Health and Genetics/Laboratory Corporation of America, LabCorp
Classification: Pathogenic for Spinocerebellar ataxia, autosomal recessive, with axonal neuropathy 2. Last evaluated: 2023-07-10. Review status: criteria provided, single submitter. Criteria: LabCorp Variant Classification Summary - May 2015. Collection method: clinical testing. Allele origin: germline.
Comment: Variant summary: SETX c.5332C>T (p.Arg1778X) results in a premature termination codon, predicted to cause a truncation of the encoded protein or absence of the protein due to nonsense mediated decay, which are commonly known mechanisms for disease. The variant allele was found at a frequency of 8e-06 in 251022 control chromosomes. c.5332C>T has been reported in the literature in a homozygous individual affected with Spinocerebellar Ataxia, Autosomal Recessive, With Axonal Neuropathy 2 (Haack_2009). To our knowledge, no experimental evidence demonstrating an impact on protein function has been reported. The following publication have been ascertained in the context of this evaluation (PMID: 19377860). One submitter has cited clinical-significance assessments for this variant to ClinVar after 2014 and has classified the variant as likely pathogenic. Based on the evidence outlined above, the variant was classified as pathogenic.

Center for Human Genetics and Genomic Medicine, Uniklinik Rwth Aachen
Classification: Likely pathogenic for Spinocerebellar ataxia, autosomal recessive, with axonal neuropathy 2. Last evaluated: 2021-12-23. Review status: criteria provided, single submitter. Criteria: ACMG Guidelines, 2015. Collection method: clinical testing. Allele origin: unknown. Affected: yes.
Comment: The variant p.(Arg1778*) is present at a very low frequency (gnomAD: 2/251022) in population databases which is in line with autosomal inheritance. Nonsense variants in SETX are known to be pathogenic for the associated autosomal recessive phenotype. The variant is therfore considered to be likely pathogenic.

Neuberg Centre For Genomic Medicine, NCGM
Classification: Likely pathogenic for Spinocerebellar ataxia, autosomal recessive, with axonal neuropathy 2. Review status: criteria provided, single submitter. Criteria: ACMG Guidelines, 2015. Collection method: clinical testing. Allele origin: germline. Inheritance: Autosomal recessive inheritance. Affected: yes.
Comment: The stop gain c.5332C>T p.Arg1778Ter in SETX gene has been reported previously in homozygous state in an individual affected with Ataxia with oculomotor apraxia type 2 Haack et al. 2009. The c.5332C>T variant is reported with an allele frequency of 0.0008% in the gnomAD exomes database and is novel not in any individuals in 1000 Genomes database.This variant has been reported to the ClinVar database as Likely Pathogenic. The nucleotide change c.5332C>T in SETX is predicted as conserved by GERP++ and PhyloP across 100 vertebrates. This variant is predicted to cause loss of normal protein function through protein truncation. Loss of function variants have been previously reported to be disease causing. For these reasons, this variant has been classified as Likely Pathogenic.

Literature cited by the submitters: PubMed 19377860 (cited by 3billion and Women's Health and Genetics/Laboratory Corporation of America, LabCorp).